The following is an entry in ClinVar:

ClinVar aggregate classification (germline): Benign/Likely benign. Review status: criteria provided, multiple submitters, no conflicts (2 of 4 stars). 9 submissions from 9 submitters: Benign (4); Likely benign (5). Last evaluated 2026-02-03.

Conditions:
Breast and/or ovarian cancer. Identifiers: MedGen CN221562.
Hereditary cancer-predisposing syndrome. Also called: Neoplastic Syndromes, Hereditary; Hereditary Cancer Syndrome; Tumor predisposition; Hereditary neoplastic syndrome. Identifiers: Orphanet 140162, MedGen C0027672, MeSH D009386, MONDO:0015356.
Breast-ovarian cancer, familial, susceptibility to, 3. Also called: RAD51C-Related Breast/Ovarian Cancer. Identifiers: Orphanet 145, MedGen C3150659, MONDO:0013253, OMIM 613399.
Fanconi anemia complementation group O. Also called: RAD51C-Related Fanconi Anemia. Identifiers: Orphanet 84, MedGen C3150653, MONDO:0013248, OMIM 613390.

Allele frequency attached by ClinVar (database versions not stated): ExAC 0.00043; gnomAD 0.00112 and 0.00103; 1000 Genomes Project 30x 0.00125; 1000 Genomes Project 0.00140; gnomAD exomes 0.00010 and 0.00032; ESP Exome Variant Server 0.00092; TOPMed 0.00106.
gnomAD v4.1: 314 of 1,607,490 alleles (0.02%); highest among the groups gnomAD compares: African/African-American, 0.34%; 1 homozygote.

Submissions (9):

Labcorp Genetics (formerly Invitae), Labcorp
Classification: Benign for Fanconi anemia complementation group O. Last evaluated: 2026-02-03. Review status: criteria provided, single submitter. Criteria: Invitae Variant Classification Sherloc (09022015). Collection method: clinical testing. Allele origin: germline.

Center for Genomic Medicine, Rigshospitalet, Copenhagen University Hospital
Classification: Likely benign. Last evaluated: 2025-03-04. Review status: criteria provided, single submitter. Criteria: ACMG Guidelines, 2015. Collection method: clinical testing. Allele origin: germline.

Blueprint Genetics
Classification: Likely benign. Last evaluated: 2024-11-07. Review status: criteria provided, single submitter. Criteria: ACMG Guidelines, 2015. Collection method: clinical testing. Allele origin: germline.

Department of Pathology and Laboratory Medicine, Sinai Health System
Classification: Likely benign for Fanconi anemia complementation group O. Last evaluated: 2024-01-29. Review status: criteria provided, single submitter. Criteria: ACMG Guidelines, 2015. Collection method: clinical testing. Allele origin: germline. Affected: yes.

KCCC/NGS Laboratory, Kuwait Cancer Control Center
Classification: Benign for Breast-ovarian cancer, familial, susceptibility to, 3. Last evaluated: 2023-07-07. Review status: criteria provided, single submitter. Criteria: ACMG Guidelines, 2015. Collection method: clinical testing. Allele origin: germline. Affected: yes.

CHEO Genetics Diagnostic Laboratory, Children's Hospital of Eastern Ontario
Classification: Likely benign for Breast and/or ovarian cancer. Last evaluated: 2022-07-12. Review status: criteria provided, single submitter. Criteria: ACMG Guidelines, 2015. Collection method: clinical testing. Allele origin: germline.

Sema4
Classification: Benign for Hereditary cancer-predisposing syndrome. Last evaluated: 2020-12-03. Review status: criteria provided, single submitter. Criteria: Sema4 Curation Guidelines. Collection method: curation. Allele origin: germline.

Color Diagnostics, LLC DBA Color Health
Classification: Likely benign for Hereditary cancer-predisposing syndrome. Last evaluated: 2015-09-21. Review status: criteria provided, single submitter. Criteria: ACMG Guidelines, 2015. Collection method: clinical testing. Allele origin: germline.

GeneDx
Classification: Benign. Last evaluated: 2014-01-02. Review status: criteria provided, single submitter. Criteria: GeneDx Variant Classification (06012015). Collection method: clinical testing. Allele origin: germline. Affected: yes.
Comment: This variant is considered likely benign or benign based on one or more of the following criteria: it is a conservative change, it occurs at a poorly conserved position in the protein, it is predicted to be benign by multiple in silico algorithms, and/or has population frequency not consistent with disease.

NM_058216.3(RAD51C):c.837+13T>C

Gene: RAD51C (RAD51 paralog C; plus strand). Cytogenetic location: 17q22.
Variant type: single nucleotide variant.
Coding change: c.837+13T>C on transcript NM_058216.3 (MANE Select); 13 bases into the intron after coding-DNA position 837, T replaced by C.
Molecular consequence: intron variant.
Genome position (GRCh38, 1-based): chr17:58,710,003, T>C. VCF-style: chr17-58710003-T-C. GRCh37 (hg19) VCF-style: chr17-56787364-T-C.
Identifiers: ClinVar variation 138868 (VCV000138868.20), dbSNP rs188613030, ClinGen allele CA293024.